The following is an entry in ClinVar:

ClinVar aggregate classification (germline): Uncertain significance (1 of 4 stars; one submission).

Conditions:
CHARGE syndrome (CHARGE). Also called: Hittner Hirsch Kreh syndrome; CHARGE ASSOCIATION--COLOBOMA, HEART ANOMALY, CHOANAL ATRESIA, RETARDATION, GENITAL AND EAR ANOMALIES; Coloboma, heart anomaly, choanal atresia, retardation, genital and ear anomalies; CHARGE association; Hall-Hittner syndrome. Identifiers: Orphanet 138, MedGen C0265354, MONDO:0008965.

gnomAD v4.1: 18 of 1,614,078 alleles (0.0011%); highest among the groups gnomAD compares: Non-Finnish European, 0.0015%; no homozygotes.

Submission:

Labcorp Genetics (formerly Invitae), Labcorp
Classification: Uncertain significance for CHARGE syndrome. Last evaluated: 2025-07-29. Review status: criteria provided, single submitter. Criteria: Invitae Variant Classification Sherloc (09022015). Collection method: clinical testing. Allele origin: germline.
Comment: This sequence change replaces valine, which is neutral and non-polar, with methionine, which is neutral and non-polar, at codon 725 of the SEMA3E protein (p.Val725Met). This variant is not present in population databases (gnomAD no frequency). This variant has not been reported in the literature in individuals affected with SEMA3E-related conditions. An algorithm developed to predict the effect of missense changes on protein structure and function (PolyPhen-2) suggests that this variant is likely to be disruptive. In summary, the available evidence is currently insufficient to determine the role of this variant in disease. Therefore, it has been classified as a Variant of Uncertain Significance.

NM_012431.3(SEMA3E):c.2173G>A (p.Val725Met)

Gene: SEMA3E (semaphorin 3E; minus strand). Cytogenetic location: 7q21.11.
Variant type: single nucleotide variant.
Coding change: c.2173G>A on transcript NM_012431.3 (MANE Select); coding-DNA position 2173, G replaced by A.
Protein change: p.Val725Met; replaces valine 725 with methionine.
Molecular consequence: missense variant.
Genome position (GRCh38, 1-based): chr7:83,367,741, C>T on the plus strand (G>A on the coding strand, the complement: SEMA3E is on the minus strand). VCF-style: chr7-83367741-C-T. GRCh37 (hg19) VCF-style: chr7-82997057-C-T.
Other names: c.1993G>A, p.Val665Met (NM_001178129.2); short protein forms V725M, V665M.
Identifiers: ClinVar variation 4691129 (VCV004691129.1).